The following is an entry in ClinVar:

ClinVar aggregate classification (germline): Pathogenic/Likely pathogenic. Review status: criteria provided, multiple submitters, no conflicts (2 of 4 stars). 3 submissions from 3 submitters: Pathogenic (2); Likely pathogenic (1). Last evaluated 2024-07-02.

Conditions:
Hereditary cancer-predisposing syndrome. Also called: Hereditary Cancer Syndrome; Neoplastic Syndromes, Hereditary; Hereditary neoplastic syndrome; Tumor predisposition. Identifiers: Orphanet 140162, MedGen C0027672, MeSH D009386, MONDO:0015356.
Hereditary nonpolyposis colorectal neoplasms. Identifiers: MedGen C0009405, MeSH D003123.
Endometrial carcinoma. Also called: Endometrial carcinoma, somatic. Identifiers: MedGen C0476089, MONDO:0002447, OMIM 608089, HP:0012114.

Submissions (3):

Ambry Genetics
Classification: Pathogenic for Hereditary cancer-predisposing syndrome. Last evaluated: 2024-07-02. Review status: criteria provided, single submitter. Criteria: Ambry Variant Classification Scheme 2023. Collection method: clinical testing. Allele origin: germline.
Comment: The c.3789_3790insTAGC pathogenic mutation (also known as p.L1264*), located in coding exon 8 of the MSH6 gene, results from an insertion of 4 nucleotides at position 3789, causing a translational frameshift and an alternate stop codon at position 1264. This alteration is expected to result in loss of function by premature protein truncation or nonsense-mediated mRNA decay. As such, this alteration is interpreted as a disease-causing mutation.

Labcorp Genetics (formerly Invitae), Labcorp
Classification: Pathogenic for Hereditary nonpolyposis colorectal neoplasms. Last evaluated: 2024-06-06. Review status: criteria provided, single submitter. Criteria: Invitae Variant Classification Sherloc (09022015). Collection method: clinical testing. Allele origin: germline.
Comment: This sequence change creates a premature translational stop signal (p.Leu1264*) in the MSH6 gene. It is expected to result in an absent or disrupted protein product. Loss-of-function variants in MSH6 are known to be pathogenic (PMID: 18269114, 24362816). This variant is not present in population databases (gnomAD no frequency). This variant has not been reported in the literature in individuals affected with MSH6-related conditions. ClinVar contains an entry for this variant (Variation ID: 428326). For these reasons, this variant has been classified as Pathogenic.

Baylor Genetics
Classification: Likely pathogenic for Endometrial carcinoma. Last evaluated: 2021-08-16. Review status: criteria provided, single submitter. Criteria: ACMG Guidelines, 2015. Collection method: clinical testing. Allele origin: unknown.

Literature cited by the submitters: PubMed 18269114 (cited by Labcorp Genetics (formerly Invitae), Labcorp); PubMed 24362816 (cited by Labcorp Genetics (formerly Invitae), Labcorp).

NM_000179.3(MSH6):c.3789_3790insTAGC (p.Leu1264Ter)

Gene: MSH6 (mutS homolog 6; plus strand). Cytogenetic location: 2p16.3.
Variant type: Insertion.
Coding change: c.3789_3790insTAGC on transcript NM_000179.3 (MANE Select); coding-DNA positions 3789 to 3790, TAGC inserted.
Protein change: p.Leu1264Ter; replaces leucine 1264 with a stop codon.
Molecular consequence: nonsense.
Genome position: GRCh38 VCF-style: chr2-47806344-C-CGCTA. GRCh37 (hg19) VCF-style: chr2-48033483-C-CGCTA.
Other names: c.3399_3400insTAGC, p.Leu1134Ter (NM_001281492.2); c.2883_2884insTAGC, p.Leu962Ter (NM_001281493.2, NM_001281494.2); short protein forms L1134*, L1264*, L962*.
Identifiers: ClinVar variation 428326 (VCV000428326.9), dbSNP rs1114167717, ClinGen allele CA645369291.